The following is an entry in ClinVar:

NM_001035.3(RYR2):c.12268C>G (p.Pro4090Ala)

Gene: RYR2 (ryanodine receptor 2; plus strand). Cytogenetic location: 1q43.
Variant type: single nucleotide variant.
Coding change: c.12268C>G on transcript NM_001035.3 (MANE Select); coding-DNA position 12268, C replaced by G.
Protein change: p.Pro4090Ala; replaces proline 4090 with alanine.
Molecular consequence: missense variant.
Genome position (GRCh38, 1-based): chr1:237,783,980, C>G. VCF-style: chr1-237783980-C-G. GRCh37 (hg19) VCF-style: chr1-237947280-C-G.
Other names: short protein forms P4090A.
Identifiers: ClinVar variation 2120716 (VCV002120716.4), dbSNP rs794728782, ClinGen allele CA345412850.

ClinVar aggregate classification (germline): Likely pathogenic (1 of 4 stars; one submission).

Conditions:
Catecholaminergic polymorphic ventricular tachycardia 1. Also called: VENTRICULAR TACHYCARDIA, CATECHOLAMINERGIC POLYMORPHIC, 1, WITH OR WITHOUT ATRIAL DYSFUNCTION AND/OR DILATED CARDIOMYOPATHY; RYR2-Related Catecholaminergic Polymorphic Ventricular Tachycardia; VENTRICULAR TACHYCARDIA, STRESS-INDUCED POLYMORPHIC 1. Identifiers: Orphanet 3286, MedGen C1631597, MONDO:0011484, OMIM 604772.

Submission:

Labcorp Genetics (formerly Invitae), Labcorp
Classification: Likely pathogenic for Catecholaminergic polymorphic ventricular tachycardia 1. Last evaluated: 2024-10-07. Review status: criteria provided, single submitter. Criteria: Invitae Variant Classification Sherloc (09022015). Collection method: clinical testing. Allele origin: germline.
Comment: This sequence change replaces proline, which is neutral and non-polar, with alanine, which is neutral and non-polar, at codon 4090 of the RYR2 protein (p.Pro4090Ala). This variant is not present in population databases (gnomAD no frequency). This variant has not been reported in the literature in individuals affected with RYR2-related conditions. ClinVar contains an entry for this variant (Variation ID: 2120716). Invitae Evidence Modeling of protein sequence and biophysical properties (such as structural, functional, and spatial information, amino acid conservation, physicochemical variation, residue mobility, and thermodynamic stability) indicates that this missense variant is expected to disrupt RYR2 protein function with a positive predictive value of 95%. This variant disrupts the p.Pro4090 amino acid residue in RYR2. Other variant(s) that disrupt this residue have been determined to be pathogenic (internal data). This suggests that this residue is clinically significant, and that variants that disrupt this residue are likely to be disease-causing. In summary, the currently available evidence indicates that the variant is pathogenic, but additional data are needed to prove that conclusively. Therefore, this variant has been classified as Likely Pathogenic.